The following is an entry in ClinVar:

ClinVar aggregate classification (germline): Likely pathogenic (1 of 4 stars; one submission).

Conditions:
Gaucher disease. Also called: Kerasin lipoidosis; Kerasin thesaurismosis; Acute cerebral Gaucher disease; Cerebroside lipidosis syndrome; Gaucher splenomegaly; Sphingolipidosis 1. Identifiers: Orphanet 355, MedGen C0017205, MONDO:0018150.

gnomAD v4.1: 1 of 1,613,838 alleles (0.000062%); highest among the groups gnomAD compares: Non-Finnish European, 0.000085%; no homozygotes.

Submission:

Natera, Inc.
Classification: Likely pathogenic for Gaucher disease. Last evaluated: 2025-05-10. Review status: criteria provided, single submitter. Criteria: Natera Variant Classification Schema (03/2026). Collection method: clinical testing. Allele origin: germline.
Comment: The c.1435C>T variant in GBA1 is a nonsense variant predicted to introduce a stop codon at amino acid 479. This variant is expected to result in nonsense mediated decay, truncation, or a dysfunctional protein product. This variant is rare in the general population with a frequency below the threshold expected for the associated phenotype(s). Given the available evidence, this variant is classified as Likely Pathogenic.

NM_000157.4(GBA1):c.1435C>T (p.Gln479Ter)

Genes: GBA1 (glucosylceramidase beta 1; minus strand), LOC106627981 (GBA recombination region; plus strand). Cytogenetic location: 1q22.
Variant type: single nucleotide variant.
Coding change: c.1435C>T on transcript NM_000157.4 (MANE Select); coding-DNA position 1435, C replaced by T.
Protein change: p.Gln479Ter; replaces glutamine 479 with a stop codon.
Molecular consequence: nonsense.
Genome position (GRCh38, 1-based): chr1:155,235,265, G>A on the plus strand (C>T on the coding strand, the complement: GBA1 is on the minus strand). VCF-style: chr1-155235265-G-A. GRCh37 (hg19) VCF-style: chr1-155205056-G-A.
Other names: c.1435C>T, p.Gln479Ter (NM_001005741.3, NM_001005742.3); c.1174C>T, p.Gln392Ter (NM_001171811.2); c.1288C>T, p.Gln430Ter (NM_001171812.2); short protein forms Q392*, Q430*, Q479*.
Identifiers: ClinVar variation 4068372 (VCV004068372.2).